The following is an entry in ClinVar:

NM_024675.4(PALB2):c.2295C>T (p.Asp765=)

Gene: PALB2 (partner and localizer of BRCA2; minus strand). Cytogenetic location: 16p12.2.
Variant type: single nucleotide variant.
Coding change: c.2295C>T on transcript NM_024675.4 (MANE Select); coding-DNA position 2295, C replaced by T.
Protein change: p.Asp765=; no amino-acid change (aspartic acid 765 retained).
Molecular consequence: synonymous variant.
Genome position (GRCh38, 1-based): chr16:23,629,859, G>A on the plus strand (C>T on the coding strand, the complement: PALB2 is on the minus strand). VCF-style: chr16-23629859-G-A. GRCh37 (hg19) VCF-style: chr16-23641180-G-A.
Other names: c.2295C>T (NM_024675.3).
Identifiers: ClinVar variation 1148940 (VCV001148940.12), dbSNP rs2142376232, ClinGen allele CA494460990.

ClinVar aggregate classification (germline): Benign/Likely benign. Review status: criteria provided, multiple submitters, no conflicts (2 of 4 stars). 3 submissions from 3 submitters: Benign (1); Likely benign (2). Last evaluated 2025-01-15.

Conditions:
Hereditary cancer-predisposing syndrome. Also called: Tumor predisposition; Neoplastic Syndromes, Hereditary; Hereditary neoplastic syndrome; Hereditary Cancer Syndrome. Identifiers: Orphanet 140162, MedGen C0027672, MeSH D009386, MONDO:0015356.
Familial cancer of breast. Also called: Hereditary breast cancer; hereditary breast carcinoma; BREAST CANCER, FAMILIAL. Identifiers: Orphanet 227535, MedGen C0346153, MONDO:0016419, OMIM 114480. Disease mechanism: loss of function.

Submissions (3):

Myriad Genetics, Inc.
Classification: Benign for Familial cancer of breast. Last evaluated: 2025-01-15. Review status: criteria provided, single submitter. Criteria: Myriad Autosomal Dominant, Autosomal Recessive and X-Linked Classification Criteria (2023). Collection method: clinical testing. Allele origin: unknown.
Comment: This variant is considered benign. This variant is a silent/synonymous amino acid change and it is not expected to impact splicing.

Ambry Genetics
Classification: Likely benign for Hereditary cancer-predisposing syndrome. Last evaluated: 2023-11-29. Review status: criteria provided, single submitter. Criteria: Ambry Variant Classification Scheme 2023. Collection method: clinical testing. Allele origin: germline.

Labcorp Genetics (formerly Invitae), Labcorp
Classification: Likely benign for Familial cancer of breast. Last evaluated: 2019-08-17. Review status: criteria provided, single submitter. Criteria: Invitae Variant Classification Sherloc (09022015). Collection method: clinical testing. Allele origin: germline.